The following is an entry in ClinVar:

ClinVar aggregate classification (germline): Uncertain significance (1 of 4 stars; one submission).

Allele frequency attached by ClinVar (database versions not stated): gnomAD 0.00001; gnomAD exomes 0.00002; TOPMed 0.00002; ExAC 0.00004.
gnomAD v4.1: 36 of 1,613,862 alleles (0.0022%); highest among the groups gnomAD compares: Admixed American, 0.0033%; no homozygotes.

Submission:

Labcorp Genetics (formerly Invitae), Labcorp
Classification: Uncertain significance. Last evaluated: 2022-08-05. Review status: criteria provided, single submitter. Criteria: Invitae Variant Classification Sherloc (09022015). Collection method: clinical testing. Allele origin: germline.
Comment: This sequence change replaces valine, which is neutral and non-polar, with isoleucine, which is neutral and non-polar, at codon 2690 of the DMXL2 protein (p.Val2690Ile). This variant is present in population databases (rs779561697, gnomAD 0.008%). This variant has not been reported in the literature in individuals affected with DMXL2-related conditions. Algorithms developed to predict the effect of missense changes on protein structure and function output the following: SIFT: "Tolerated"; PolyPhen-2: "Benign"; Align-GVGD: "Class C0". The isoleucine amino acid residue is found in multiple mammalian species, which suggests that this missense change does not adversely affect protein function. In summary, the available evidence is currently insufficient to determine the role of this variant in disease. Therefore, it has been classified as a Variant of Uncertain Significance.

NM_001378457.1(DMXL2):c.8131G>A (p.Val2711Ile)

Gene: DMXL2 (Dmx like 2; minus strand). Cytogenetic location: 15q21.2.
Variant type: single nucleotide variant.
Coding change: c.8131G>A on transcript NM_001378457.1 (MANE Select); coding-DNA position 8131, G replaced by A.
Protein change: p.Val2711Ile; replaces valine 2711 with isoleucine.
Molecular consequence: missense variant. On other transcripts: non-coding transcript variant (2).
Genome position (GRCh38, 1-based): chr15:51,458,573, C>T on the plus strand (G>A on the coding strand, the complement: DMXL2 is on the minus strand). VCF-style: chr15-51458573-C-T. GRCh37 (hg19) VCF-style: chr15-51750770-C-T.
Other names: c.8068G>A, p.Val2690Ile (NM_001174116.3); c.6157G>A, p.Val2053Ile (NM_001174117.3); c.8128G>A, p.Val2710Ile (NM_001378458.1); c.7843G>A, p.Val2615Ile (NM_001378459.1); c.6046G>A, p.Val2016Ile (NM_001378460.1); c.8065G>A, p.Val2689Ile (NM_015263.5); short protein forms V2053I, V2615I, V2689I, V2690I, V2016I, V2710I, V2711I.
Identifiers: ClinVar variation 1905257 (VCV001905257.2), dbSNP rs779561697, ClinGen allele CA7561139.
Genomic context (GRCh38, chr15:51,458,573, plus strand): 5'-ATTCTCTGTCATATTCTTCTCCGATCCATATGTATGACTGACAGGCCAGTAGAGAAGTAA[C>T]ATCAAGTTCTTGAACATCATGTGTTGAAGCCAAAACAATTTCATTACAATTTGCCTATAA-3'
Protein context (NP_001365386.1, residues 2701-2721): ASTHDVQELD[Val2711Ile]TSLLACQSYI